The following is an entry in ClinVar:

NM_001853.4(COL9A3):c.808_809del (p.Arg270fs)

Gene: COL9A3 (collagen type IX alpha 3 chain; plus strand). Cytogenetic location: 20q13.33.
Variant type: Microsatellite.
Coding change: c.808_809del on transcript NM_001853.4 (MANE Select); coding-DNA positions 808 to 809, 2 bases deleted (AG; older notation c.808_809delAG).
Protein change: p.Arg270fs; shifts the reading frame from arginine 270.
Molecular consequence: frameshift variant.
Genome position (GRCh38, 1-based): chr20:62,827,256-62,827,257, AG deleted; deleting any 2 consecutive bases within chr20:62,827,253-62,827,257 gives the same sequence; the c. name uses the placement nearest the transcript's 3' end. VCF-style (leftmost placement, unchanged base first): chr20-62827252-CGA-C. GRCh37 (hg19) VCF-style: chr20-61458604-CGA-C.
Other names: short protein forms R270fs.
Identifiers: ClinVar variation 4726730 (VCV004726730.1).
Genomic context (GRCh38, chr20:62,827,252, plus strand): 5'-CCAACTCCATGGTGTTAACTCTGTCCCTGCCCCACCTCATCCTTTCCAGGGTGACCGAGG[CGA>C]GAGGGGCCCAGAAGGGTTCCGCGGCCCCAAGGGTGACCTCGTAAGTGAGAGGGAAGTTGG-3'

ClinVar aggregate classification (germline): Pathogenic (1 of 4 stars; one submission).

Submission:

Labcorp Genetics (formerly Invitae), Labcorp
Classification: Pathogenic. Last evaluated: 2025-09-07. Review status: criteria provided, single submitter. Criteria: Invitae Variant Classification Sherloc (09022015). Collection method: clinical testing. Allele origin: germline.
Comment: This sequence change creates a premature translational stop signal (p.Arg270Glyfs*11) in the COL9A3 gene. It is expected to result in an absent or disrupted protein product. Loss-of-function variants in COL9A3 are known to be pathogenic (PMID: 24273071, 31090205). This variant is not present in population databases (gnomAD no frequency). This variant has not been reported in the literature in individuals affected with COL9A3-related conditions. For these reasons, this variant has been classified as Pathogenic.

Literature cited by the submitters: PubMed 24273071; PubMed 31090205.